The following is an entry in ClinVar:

NM_005633.4(SOS1):c.2684G>A (p.Ser895Asn)

Gene: SOS1 (SOS Ras/Rac guanine nucleotide exchange factor 1; minus strand). Cytogenetic location: 2p22.1.
Variant type: single nucleotide variant.
Coding change: c.2684G>A on transcript NM_005633.4 (MANE Select); coding-DNA position 2684, G replaced by A.
Protein change: p.Ser895Asn; replaces serine 895 with asparagine.
Molecular consequence: missense variant.
Genome position (GRCh38, 1-based): chr2:39,006,519, C>T on the plus strand (G>A on the coding strand, the complement: SOS1 is on the minus strand). VCF-style: chr2-39006519-C-T. GRCh37 (hg19) VCF-style: chr2-39233660-C-T.
Other names: c.2663G>A, p.Ser888Asn (NM_001382394.1); c.2684G>A, p.Ser895Asn (NM_001382395.1); short protein forms S888N, S895N.
Identifiers: ClinVar variation 1200745 (VCV001200745.13), dbSNP rs1164976822, ClinGen allele CA346363269.

ClinVar aggregate classification (germline): Uncertain significance. Review status: criteria provided, multiple submitters, no conflicts (2 of 4 stars). 6 submissions from 5 submitters: Uncertain significance (6). Last evaluated 2025-12-18.

Conditions:
SOS1-related disorder. Also called: SOS1-related condition.
Cardiovascular phenotype. Identifiers: MedGen CN230736.
Fibromatosis, gingival, 1 (GINGF1). Identifiers: Orphanet 2024, MedGen C4551558, MONDO:0007609, OMIM 135300.
Noonan syndrome 4 (NS4). Also called: SOS1-Related Noonan Syndrome; NOONAN SYNDROME WITH PIGMENTED VILLONODULAR SYNOVITIS. Identifiers: Orphanet 648, MedGen C1853120, MONDO:0012547, OMIM 610733.
RASopathy. Also called: rasopathies; Noonan spectrum disorder. Identifiers: Orphanet 536391, MedGen C5555857, MONDO:0021060.

Allele frequency attached by ClinVar (database versions not stated): gnomAD exomes below 0.00001; gnomAD 0.00001; TOPMed 0.00001.

Submissions (6):

PreventionGenetics, part of Exact Sciences
Classification: Uncertain significance for SOS1-related condition. Last evaluated: 2025-12-18. Review status: criteria provided, single submitter. Criteria: ACMG Guidelines, 2015. Collection method: clinical testing. Allele origin: germline.
Comment: The SOS1 c.2684G>A variant is predicted to result in the amino acid substitution p.Ser895Asn. To our knowledge, this variant has not been reported in the literature or in a large population database (gnomAD), indicating this variant is rare. At this time, the clinical significance of this variant is uncertain due to the absence of conclusive functional and genetic evidence.

Labcorp Genetics (formerly Invitae), Labcorp
Classification: Uncertain significance for RASopathy. Last evaluated: 2025-11-24. Review status: criteria provided, single submitter. Criteria: Invitae Variant Classification Sherloc (09022015). Collection method: clinical testing. Allele origin: germline.
Comment: This sequence change replaces serine, which is neutral and polar, with asparagine, which is neutral and polar, at codon 895 of the SOS1 protein (p.Ser895Asn). This variant is not present in population databases (gnomAD no frequency). This variant has not been reported in the literature in individuals affected with SOS1-related conditions. ClinVar contains an entry for this variant (Variation ID: 1200745). Invitae Evidence Modeling of protein sequence and biophysical properties (such as structural, functional, and spatial information, amino acid conservation, physicochemical variation, residue mobility, and thermodynamic stability) indicates that this missense variant is not expected to disrupt SOS1 protein function with a negative predictive value of 95%. In summary, the available evidence is currently insufficient to determine the role of this variant in disease. Therefore, it has been classified as a Variant of Uncertain Significance.

Ambry Genetics
Classification: Uncertain significance for Cardiovascular phenotype. Last evaluated: 2021-11-04. Review status: criteria provided, single submitter. Criteria: Ambry Variant Classification Scheme 2023. Collection method: clinical testing. Allele origin: germline.
Comment: The p.S895N variant (also known as c.2684G>A), located in coding exon 17 of the SOS1 gene, results from a G to A substitution at nucleotide position 2684. The serine at codon 895 is replaced by asparagine, an amino acid with highly similar properties. This amino acid position is conserved. In addition, this alteration is predicted to be tolerated by in silico analysis. Since supporting evidence is limited at this time, the clinical significance of this alteration remains unclear.

GeneDx
Classification: Uncertain significance. Last evaluated: 2020-12-15. Review status: criteria provided, single submitter. Criteria: GeneDx Variant Classification Process June 2021. Collection method: clinical testing. Allele origin: germline. Affected: yes.
Comment: Has not been previously published as pathogenic or benign to our knowledge; Not observed in large population cohorts (Lek et al., 2016); In silico analysis supports that this missense variant does not alter protein structure/function

Genome-Nilou Lab
Classification: Uncertain significance for Noonan syndrome 4. Review status: criteria provided, single submitter. Criteria: ACMG Guidelines, 2015. Collection method: clinical testing. Allele origin: germline.

Genome-Nilou Lab
Classification: Uncertain significance for Fibromatosis, gingival, 1. Review status: criteria provided, single submitter. Criteria: ACMG Guidelines, 2015. Collection method: clinical testing. Allele origin: germline.